The following is an entry in ClinVar:

NM_002439.5(MSH3):c.1346A>C (p.Gln449Pro)

Gene: MSH3 (mutS homolog 3; plus strand). Cytogenetic location: 5q14.1.
Variant type: single nucleotide variant.
Coding change: c.1346A>C on transcript NM_002439.5 (MANE Select); coding-DNA position 1346, A replaced by C.
Protein change: p.Gln449Pro; replaces glutamine 449 with proline.
Molecular consequence: missense variant.
Genome position (GRCh38, 1-based): chr5:80,725,458, A>C. VCF-style: chr5-80725458-A-C. GRCh37 (hg19) VCF-style: chr5-80021277-A-C.
Other names: c.1346A>C (NM_002439.3); short protein forms Q449P.
Identifiers: ClinVar variation 1398047 (VCV001398047.10), dbSNP rs780395319, ClinGen allele CA121292263.

ClinVar aggregate classification (germline): Uncertain significance. Review status: criteria provided, multiple submitters, no conflicts (2 of 4 stars). 2 submissions from 2 submitters: Uncertain significance (2). Last evaluated 2025-12-09.

Conditions:
Hereditary cancer-predisposing syndrome. Also called: Hereditary Cancer Syndrome; Hereditary neoplastic syndrome; Tumor predisposition; Neoplastic Syndromes, Hereditary. Identifiers: Orphanet 140162, MedGen C0027672, MeSH D009386, MONDO:0015356.

gnomAD v4.1: 2 of 1,612,374 alleles (0.00012%); highest among the groups gnomAD compares: Middle Eastern, 0.017%; no homozygotes.

Submissions (2):

Ambry Genetics
Classification: Uncertain significance for Hereditary cancer-predisposing syndrome. Last evaluated: 2025-12-09. Review status: criteria provided, single submitter. Criteria: Ambry Variant Classification Scheme 2023. Collection method: clinical testing. Allele origin: germline.
Comment: The p.Q449P variant (also known as c.1346A>C), located in coding exon 9 of the MSH3 gene, results from an A to C substitution at nucleotide position 1346. The glutamine at codon 449 is replaced by proline, an amino acid with similar properties. This amino acid position is conserved. In addition, this alteration is predicted to be tolerated by in silico analysis. Based on the available evidence, the clinical significance of this variant remains unclear.

Labcorp Genetics (formerly Invitae), Labcorp
Classification: Uncertain significance. Last evaluated: 2023-08-08. Review status: criteria provided, single submitter. Criteria: Invitae Variant Classification Sherloc (09022015). Collection method: clinical testing. Allele origin: germline.
Comment: This sequence change replaces glutamine, which is neutral and polar, with proline, which is neutral and non-polar, at codon 449 of the MSH3 protein (p.Gln449Pro). This variant is not present in population databases (gnomAD no frequency). This variant has not been reported in the literature in individuals affected with MSH3-related conditions. ClinVar contains an entry for this variant (Variation ID: 1398047). An algorithm developed to predict the effect of missense changes on protein structure and function (PolyPhen-2) suggests that this variant is likely to be tolerated. In summary, the available evidence is currently insufficient to determine the role of this variant in disease. Therefore, it has been classified as a Variant of Uncertain Significance.